The following is an entry in ClinVar:

ClinVar aggregate classification (germline): Uncertain significance. Review status: criteria provided, multiple submitters, no conflicts (2 of 4 stars). 2 submissions from 2 submitters: Uncertain significance (2). Last evaluated 2024-09-16.

Conditions:
Autosomal dominant nonsyndromic hearing loss 65. Also called: Deafness, autosomal dominant 65; TBC1D24-Related Autosomal Dominant Nonsyndromic Hearing Loss (DFNA). Identifiers: Orphanet 90635, MedGen C3892048, MONDO:0014470, OMIM 616044.
Developmental and epileptic encephalopathy, 1 (DEE1). Also called: X-linked infantile spasms; West's syndrome; Tonic spasms with clustering, arrest of psychomotor development and hypsarrhythmia on EEG; X-Linked Infantile Spasm Syndrome; OHTAHARA SYNDROME, X-LINKED; Epileptic encephalopathy, early infantile, 1. Identifiers: MedGen C3463992, MONDO:0010632, OMIM 308350. Disease mechanism: loss of function.

Allele frequency attached by ClinVar (database versions not stated): gnomAD 0.00001; gnomAD exomes 0.00001.
gnomAD v4.1: 12 of 1,613,390 alleles (0.00074%); highest among the groups gnomAD compares: South Asian, 0.0022%; no homozygotes.

Submissions (2):

Blueprint Genetics
Classification: Uncertain significance. Last evaluated: 2024-09-16. Review status: criteria provided, single submitter. Criteria: ACMG Guidelines, 2015. Collection method: clinical testing. Allele origin: germline.

Labcorp Genetics (formerly Invitae), Labcorp
Classification: Uncertain significance for Developmental and epileptic encephalopathy, 1; Autosomal dominant nonsyndromic hearing loss 65. Last evaluated: 2024-01-30. Review status: criteria provided, single submitter. Criteria: Invitae Variant Classification Sherloc (09022015). Collection method: clinical testing. Allele origin: germline.
Comment: This sequence change replaces arginine, which is basic and polar, with histidine, which is basic and polar, at codon 65 of the TBC1D24 protein (p.Arg65His). The frequency data for this variant in the population databases is considered unreliable, as metrics indicate poor data quality at this position in the gnomAD database. This variant has not been reported in the literature in individuals affected with TBC1D24-related conditions. ClinVar contains an entry for this variant (Variation ID: 2084014). Advanced modeling of protein sequence and biophysical properties (such as structural, functional, and spatial information, amino acid conservation, physicochemical variation, residue mobility, and thermodynamic stability) performed at Invitae indicates that this missense variant is expected to disrupt TBC1D24 protein function with a positive predictive value of 80%. This variant disrupts the p.Arg65 amino acid residue in TBC1D24. Other variant(s) that disrupt this residue have been determined to be pathogenic (PMID: 30139988). This suggests that this residue is clinically significant, and that variants that disrupt this residue are likely to be disease-causing. In summary, the available evidence is currently insufficient to determine the role of this variant in disease. Therefore, it has been classified as a Variant of Uncertain Significance.

Literature cited by the submitters: PubMed 30139988 (cited by Labcorp Genetics (formerly Invitae), Labcorp).

NM_001199107.2(TBC1D24):c.194G>A (p.Arg65His)

Gene: TBC1D24 (TBC1 domain family member 24; plus strand). Cytogenetic location: 16p13.3.
Variant type: single nucleotide variant.
Coding change: c.194G>A on transcript NM_001199107.2 (MANE Select); coding-DNA position 194, G replaced by A.
Protein change: p.Arg65His; replaces arginine 65 with histidine.
Molecular consequence: missense variant.
Genome position (GRCh38, 1-based): chr16:2,496,342, G>A. VCF-style: chr16-2496342-G-A. GRCh37 (hg19) VCF-style: chr16-2546343-G-A.
Other names: c.194G>A, p.Arg65His (NM_020705.3); short protein forms R65H.
Identifiers: ClinVar variation 2084014 (VCV002084014.5), dbSNP rs878853232, ClinGen allele CA394374933.